The following is an entry in ClinVar:

NM_000215.4(JAK3):c.2419C>T (p.Gln807Ter)

Gene: JAK3 (Janus kinase 3; minus strand). Cytogenetic location: 19p13.11.
Variant type: single nucleotide variant.
Coding change: c.2419C>T on transcript NM_000215.4 (MANE Select); coding-DNA position 2419, C replaced by T.
Protein change: p.Gln807Ter; replaces glutamine 807 with a stop codon.
Molecular consequence: nonsense.
Genome position (GRCh38, 1-based): chr19:17,832,861, G>A on the plus strand (C>T on the coding strand, the complement: JAK3 is on the minus strand). VCF-style: chr19-17832861-G-A. GRCh37 (hg19) VCF-style: chr19-17943670-G-A.
Other names: short protein forms Q807*.
Identifiers: ClinVar variation 2759221 (VCV002759221.3), dbSNP rs2094216961, ClinGen allele CA404766903.

ClinVar aggregate classification (germline): Pathogenic (1 of 4 stars; one submission).

Conditions:
T-B+ severe combined immunodeficiency due to JAK3 deficiency. Also called: SCID, T CELL-NEGATIVE, B CELL-POSITIVE, NK CELL-NEGATIVE; SCID, autosomal recessive, T-negative/B-positive type. Identifiers: Orphanet 35078, MedGen C1833275, MONDO:0010938, OMIM 600802.

Allele frequency attached by ClinVar (database versions not stated): gnomAD exomes below 0.00001.

Submission:

Labcorp Genetics (formerly Invitae), Labcorp
Classification: Pathogenic for T-B+ severe combined immunodeficiency due to JAK3 deficiency. Last evaluated: 2023-09-17. Review status: criteria provided, single submitter. Criteria: Invitae Variant Classification Sherloc (09022015). Collection method: clinical testing. Allele origin: germline.
Comment: For these reasons, this variant has been classified as Pathogenic. Algorithms developed to predict the effect of sequence changes on RNA splicing suggest that this variant may create or strengthen a splice site. This sequence change creates a premature translational stop signal (p.Gln807*) in the JAK3 gene. It is expected to result in an absent or disrupted protein product. Loss-of-function variants in JAK3 are known to be pathogenic (PMID: 7481768, 11668621). This variant is not present in population databases (gnomAD no frequency). This variant has not been reported in the literature in individuals affected with JAK3-related conditions.

Literature cited by the submitters: PubMed 7481768; PubMed 11668621.